The following is an entry in ClinVar:

ClinVar aggregate classification (germline): Likely benign. Review status: criteria provided, multiple submitters, no conflicts (2 of 4 stars). 2 submissions from 2 submitters: Likely benign (2). Last evaluated 2025-09-01.

Allele frequency attached by ClinVar (database versions not stated): ExAC 0.00008; gnomAD exomes 0.00013 and 0.00021; ESP Exome Variant Server 0.00015; gnomAD 0.00015; TOPMed 0.00016.
gnomAD v4.1: 330 of 1,613,932 alleles (0.02%); highest among the groups gnomAD compares: Non-Finnish European, 0.026%; no homozygotes.

Submissions (2):

CeGaT Center for Human Genetics Tuebingen
Classification: Likely benign. Last evaluated: 2025-09-01. Review status: criteria provided, single submitter. Criteria: CeGaT Center For Human Genetics Tuebingen Variant Classification Criteria Version 2. Collection method: clinical testing. Allele origin: germline. Affected: yes. Observed: 3 variant alleles.
Comment: WDR11: BP4, BP7

Labcorp Genetics (formerly Invitae), Labcorp
Classification: Likely benign. Last evaluated: 2019-12-31. Review status: criteria provided, single submitter. Criteria: Invitae Variant Classification Sherloc (09022015). Collection method: clinical testing. Allele origin: germline.

NM_018117.12(WDR11):c.411G>A (p.Pro137=)

Gene: WDR11 (WD repeat domain 11; plus strand). Cytogenetic location: 10q26.12.
Variant type: single nucleotide variant.
Coding change: c.411G>A on transcript NM_018117.12 (MANE Select); coding-DNA position 411, G replaced by A.
Protein change: p.Pro137=; no amino-acid change (proline 137 retained).
Molecular consequence: synonymous variant.
Genome position (GRCh38, 1-based): chr10:120,860,167, G>A. VCF-style: chr10-120860167-G-A. GRCh37 (hg19) VCF-style: chr10-122619679-G-A.
Identifiers: ClinVar variation 704438 (VCV000704438.17), dbSNP rs374824479, ClinGen allele CA5719440.